The following is an entry in ClinVar:

NC_000001.10:g.(?_116243862)_(116287553_?)dup

Gene: CASQ2 (calsequestrin 2; minus strand). Cytogenetic location: 1p13.1.
Variant type: Duplication.
Identifiers: ClinVar variation 1511556 (VCV001511556.3).

ClinVar aggregate classification (germline): Uncertain significance (1 of 4 stars; one submission).

Conditions:
Catecholaminergic polymorphic ventricular tachycardia 1. Also called: RYR2-Related Catecholaminergic Polymorphic Ventricular Tachycardia; VENTRICULAR TACHYCARDIA, STRESS-INDUCED POLYMORPHIC 1; VENTRICULAR TACHYCARDIA, CATECHOLAMINERGIC POLYMORPHIC, 1, WITH OR WITHOUT ATRIAL DYSFUNCTION AND/OR DILATED CARDIOMYOPATHY. Identifiers: Orphanet 3286, MedGen C1631597, MONDO:0011484, OMIM 604772.

Submission:

Labcorp Genetics (formerly Invitae), Labcorp
Classification: Uncertain significance for Catecholaminergic polymorphic ventricular tachycardia 1. Last evaluated: 2022-09-24. Review status: criteria provided, single submitter. Criteria: Invitae Variant Classification Sherloc (09022015). Collection method: clinical testing. Allele origin: germline.
Comment: This variant results in a copy number gain of the genomic region encompassing exon(s) 2-11 of the CASQ2 gene. This region includes the termination codon of the gene. This copy number gain extends beyond the assayed region for this gene and therefore may encompass additional genes. As the precise location of this event is unknown, it may be in tandem or it may be located elsewhere in the genome. This variant has not been reported in the literature in individuals affected with CASQ2-related conditions. Experimental studies and prediction algorithms are not available or were not evaluated, and the functional significance of this variant is currently unknown. In summary, the available evidence is currently insufficient to determine the role of this variant in disease. Therefore, it has been classified as a Variant of Uncertain Significance.